The following is an entry in ClinVar:

NM_004304.5(ALK):c.2042T>C (p.Val681Ala)

Gene: ALK (ALK receptor tyrosine kinase; minus strand). Cytogenetic location: 2p23.2.
Variant type: single nucleotide variant.
Coding change: c.2042T>C on transcript NM_004304.5 (MANE Select); coding-DNA position 2042, T replaced by C.
Protein change: p.Val681Ala; replaces valine 681 with alanine.
Molecular consequence: missense variant.
Genome position (GRCh38, 1-based): chr2:29,251,267, A>G on the plus strand (T>C on the coding strand, the complement: ALK is on the minus strand). VCF-style: chr2-29251267-A-G. GRCh37 (hg19) VCF-style: chr2-29474133-A-G.
Other names: short protein forms V681A.
Identifiers: ClinVar variation 3285597 (VCV003285597.1).

ClinVar aggregate classification (germline): Uncertain significance (1 of 4 stars; one submission).

Conditions:
Hereditary cancer-predisposing syndrome. Also called: Tumor predisposition; Hereditary Cancer Syndrome; Hereditary neoplastic syndrome; Neoplastic Syndromes, Hereditary. Identifiers: Orphanet 140162, MedGen C0027672, MeSH D009386, MONDO:0015356.

Submission:

Ambry Genetics
Classification: Uncertain significance for Hereditary cancer-predisposing syndrome. Last evaluated: 2024-05-10. Review status: criteria provided, single submitter. Criteria: Ambry Variant Classification Scheme 2023. Collection method: clinical testing. Allele origin: germline.
Comment: The p.V681A variant (also known as c.2042T>C) is located in coding exon 12 of the ALK gene. The valine at codon 681 is replaced by alanine, an amino acid with similar properties. This change occurs in the first base pair of coding exon 12. This amino acid position is conserved. In addition, this alteration is predicted to be tolerated by in silico analysis. Based on the available evidence, the clinical significance of this variant remains unclear.